The following is an entry in ClinVar:

ClinVar aggregate classification (germline): Uncertain significance. Review status: criteria provided, multiple submitters, no conflicts (2 of 4 stars). 2 submissions from 2 submitters: Uncertain significance (2). Last evaluated 2026-09-09.

Conditions:
Cardiovascular phenotype. Identifiers: MedGen CN230736.

Submissions (2):

Ambry Genetics
Classification: Uncertain significance for Cardiovascular phenotype. Last evaluated: 2026-09-09. Review status: criteria provided, single submitter. Criteria: Ambry Variant Classification Scheme 2023. Collection method: clinical testing. Allele origin: germline.

Labcorp Genetics (formerly Invitae), Labcorp
Classification: Uncertain significance. Last evaluated: 2025-09-29. Review status: criteria provided, single submitter. Criteria: Invitae Variant Classification Sherloc (09022015). Collection method: clinical testing. Allele origin: germline.
Comment: This sequence change replaces threonine, which is neutral and polar, with isoleucine, which is neutral and non-polar, at codon 1243 of the ALPK3 protein (p.Thr1243Ile). This variant is not present in population databases (gnomAD no frequency). This variant has not been reported in the literature in individuals affected with ALPK3-related conditions. Invitae Evidence Modeling of protein sequence and biophysical properties (such as structural, functional, and spatial information, amino acid conservation, physicochemical variation, residue mobility, and thermodynamic stability) indicates that this missense variant is expected to disrupt ALPK3 protein function with a positive predictive value of 80%. In summary, the available evidence is currently insufficient to determine the role of this variant in disease. Therefore, it has been classified as a Variant of Uncertain Significance.

NM_020778.5(ALPK3):c.3122C>T (p.Thr1041Ile)

Gene: ALPK3 (alpha kinase 3; plus strand). Cytogenetic location: 15q25.3.
Variant type: single nucleotide variant.
Coding change: c.3122C>T on transcript NM_020778.5 (MANE Select); coding-DNA position 3122, C replaced by T.
Protein change: p.Thr1041Ile; replaces threonine 1041 with isoleucine.
Molecular consequence: missense variant.
Genome position (GRCh38, 1-based): chr15:84,857,860, C>T. VCF-style: chr15-84857860-C-T. GRCh37 (hg19) VCF-style: chr15-85401091-C-T.
Other names: c.3728C>T (NM_020778.4); short protein forms T1041I.
Identifiers: ClinVar variation 4781686 (VCV004781686.2).